The following is an entry in ClinVar:

NM_015346.4(ZFYVE26):c.914G>A (p.Arg305Gln)

Gene: ZFYVE26 (zinc finger FYVE-type containing 26; minus strand). Cytogenetic location: 14q24.1.
Variant type: single nucleotide variant.
Coding change: c.914G>A on transcript NM_015346.4 (MANE Select); coding-DNA position 914, G replaced by A.
Protein change: p.Arg305Gln; replaces arginine 305 with glutamine.
Molecular consequence: missense variant.
Genome position (GRCh38, 1-based): chr14:67,806,648, C>T on the plus strand (G>A on the coding strand, the complement: ZFYVE26 is on the minus strand). VCF-style: chr14-67806648-C-T. GRCh37 (hg19) VCF-style: chr14-68273365-C-T.
Other names: c.914G>A (NM_015346.3); short protein forms R305Q.
Identifiers: ClinVar variation 1362447 (VCV001362447.6), dbSNP rs201954314, ClinGen allele CA7240660.

ClinVar aggregate classification (germline): Uncertain significance. Review status: criteria provided, multiple submitters, no conflicts (2 of 4 stars). 2 submissions from 2 submitters: Uncertain significance (2). Last evaluated 2024-10-24.

Conditions:
Inborn genetic diseases. Identifiers: MedGen C0950123, MeSH D030342.
Spastic paraplegia. Identifiers: MedGen C0037772, HP:0001258.

Allele frequency attached by ClinVar (database versions not stated): gnomAD exomes 0.00004 and 0.00008; ExAC 0.00007; gnomAD 0.00008 and 0.00010; TOPMed 0.00010; 1000 Genomes Project 30x 0.00016; 1000 Genomes Project 0.00020.
gnomAD v4.1: 71 of 1,614,170 alleles (0.0044%); highest among the groups gnomAD compares: Admixed American, 0.03%; no homozygotes.

Submissions (2):

Labcorp Genetics (formerly Invitae), Labcorp
Classification: Uncertain significance for Spastic paraplegia. Last evaluated: 2024-10-24. Review status: criteria provided, single submitter. Criteria: Invitae Variant Classification Sherloc (09022015). Collection method: clinical testing. Allele origin: germline.
Comment: This sequence change replaces arginine, which is basic and polar, with glutamine, which is neutral and polar, at codon 305 of the ZFYVE26 protein (p.Arg305Gln). This variant is present in population databases (rs201954314, gnomAD 0.03%). This variant has not been reported in the literature in individuals affected with ZFYVE26-related conditions. ClinVar contains an entry for this variant (Variation ID: 1362447). An algorithm developed to predict the effect of missense changes on protein structure and function outputs the following: PolyPhen-2: "Benign". The glutamine amino acid residue is found in multiple mammalian species, which suggests that this missense change does not adversely affect protein function. In summary, the available evidence is currently insufficient to determine the role of this variant in disease. Therefore, it has been classified as a Variant of Uncertain Significance.

Ambry Genetics
Classification: Uncertain significance for Inborn genetic diseases. Last evaluated: 2023-12-09. Review status: criteria provided, single submitter. Criteria: Ambry Variant Classification Scheme 2023. Collection method: clinical testing. Allele origin: germline.